The following is an entry in ClinVar:

NM_012233.3(RAB3GAP1):c.1466G>A (p.Arg489His)

Gene: RAB3GAP1 (RAB3 GTPase activating protein catalytic subunit 1; plus strand). Cytogenetic location: 2q21.3.
Variant type: single nucleotide variant.
Coding change: c.1466G>A on transcript NM_012233.3 (MANE Select); coding-DNA position 1466, G replaced by A.
Protein change: p.Arg489His; replaces arginine 489 with histidine.
Molecular consequence: missense variant.
Genome position (GRCh38, 1-based): chr2:135,134,000, G>A. VCF-style: chr2-135134000-G-A. GRCh37 (hg19) VCF-style: chr2-135891570-G-A.
Other names: c.1466G>A, p.Arg489His (NM_001172435.2); c.1466G>A (NM_012233.2); short protein forms R489H.
Identifiers: ClinVar variation 2197202 (VCV002197202.3), dbSNP rs200543595, ClinGen allele CA1884844.
Genomic context (GRCh38, chr2:135,134,000, plus strand): 5'-TTTACCATGGAGGGTTGAAAGGAGTGGCACACCTCTGGCAGGAATTTGTTCTTGAAATGC[G>A]TTTCCGATGGGAAAACAACTTTCTGATTCCAGGGTAATAATTTCAATTTTCAATTGTTTG-3'
Protein context (NP_036365.1, residues 479-499): HLWQEFVLEM[Arg489His]FRWENNFLIP

ClinVar aggregate classification (germline): Uncertain significance. Review status: criteria provided, multiple submitters, no conflicts (2 of 4 stars). 2 submissions from 2 submitters: Uncertain significance (2). Last evaluated 2022-08-08.

Allele frequency attached by ClinVar (database versions not stated): ExAC 0.00001; gnomAD exomes 0.00001; gnomAD 0.00002; TOPMed 0.00015.
gnomAD v4.1: 27 of 1,613,718 alleles (0.0017%); highest among the groups gnomAD compares: Non-Finnish European, 0.0011%; no homozygotes.

Submissions (2):

GeneDx
Classification: Uncertain significance. Last evaluated: 2022-08-08. Review status: criteria provided, single submitter. Criteria: GeneDx Variant Classification Process June 2021. Collection method: clinical testing. Allele origin: germline. Affected: yes.
Comment: In silico analysis supports that this missense variant has a deleterious effect on protein structure/function; Has not been previously published as pathogenic or benign to our knowledge

Labcorp Genetics (formerly Invitae), Labcorp
Classification: Uncertain significance. Last evaluated: 2022-08-06. Review status: criteria provided, single submitter. Criteria: Invitae Variant Classification Sherloc (09022015). Collection method: clinical testing. Allele origin: germline.
Comment: In summary, the available evidence is currently insufficient to determine the role of this variant in disease. Therefore, it has been classified as a Variant of Uncertain Significance. Algorithms developed to predict the effect of missense changes on protein structure and function are either unavailable or do not agree on the potential impact of this missense change (SIFT: "Deleterious"; PolyPhen-2: "Probably Damaging"; Align-GVGD: "Class C0"). This variant has not been reported in the literature in individuals affected with RAB3GAP1-related conditions. This variant is present in population databases (rs200543595, gnomAD 0.0008%). This sequence change replaces arginine, which is basic and polar, with histidine, which is basic and polar, at codon 489 of the RAB3GAP1 protein (p.Arg489His).